The following is an entry in ClinVar:

NM_002439.5(MSH3):c.1913_1914delinsAG (p.Phe638Ter)

Gene: MSH3 (mutS homolog 3; plus strand). Cytogenetic location: 5q14.1.
Variant type: Indel.
Coding change: c.1913_1914delinsAG on transcript NM_002439.5 (MANE Select); coding-DNA positions 1913 to 1914, TC replaced by AG.
Protein change: p.Phe638Ter; replaces phenylalanine 638 with a stop codon.
Molecular consequence: nonsense.
Genome position (GRCh38, 1-based): chr5:80,767,949-80,767,950, TC replaced by AG. VCF-style: chr5-80767949-TC-AG. GRCh37 (hg19) VCF-style: chr5-80063768-TC-AG.
Other names: short protein forms F638*.
Identifiers: ClinVar variation 4654348 (VCV004654348.1).

ClinVar aggregate classification (germline): Pathogenic (1 of 4 stars; one submission).

Conditions:
Hereditary cancer-predisposing syndrome. Also called: Neoplastic Syndromes, Hereditary; Tumor predisposition; Hereditary Cancer Syndrome; Hereditary neoplastic syndrome. Identifiers: Orphanet 140162, MedGen C0027672, MeSH D009386, MONDO:0015356.

Submission:

Ambry Genetics
Classification: Pathogenic for Hereditary cancer-predisposing syndrome. Last evaluated: 2025-10-06. Review status: criteria provided, single submitter. Criteria: Ambry Variant Classification Scheme 2023. Collection method: clinical testing. Allele origin: germline.
Comment: The c.1913_1914delTCinsAG pathogenic mutation, located in coding exon 14 of the MSH3 gene, results from an in-frame deletion of TC and insertion of AG at nucleotide positions 1913 to 1914. This changes the amino acid from a phenylalanine to a stop codon within coding exon 14. This variant is considered to be rare based on population cohorts in the Genome Aggregation Database (gnomAD). This alteration is expected to result in loss of function by premature protein truncation or nonsense-mediated mRNA decay. As such, this alteration is interpreted as a disease-causing mutation.